The following is an entry in ClinVar:

ClinVar aggregate classification (germline): Uncertain significance (1 of 4 stars; one submission).

Conditions:
DICER1-related tumor predisposition. Also called: DICER1 syndrome; DICER1-related pleuropulmonary blastoma cancer predisposition syndrome. Identifiers: Orphanet 284343, MedGen C3839822, MONDO:0100216.

Submission:

Labcorp Genetics (formerly Invitae), Labcorp
Classification: Uncertain significance for DICER1-related tumor predisposition. Last evaluated: 2022-04-13. Review status: criteria provided, single submitter. Criteria: Invitae Variant Classification Sherloc (09022015). Collection method: clinical testing. Allele origin: germline.
Comment: Algorithms developed to predict the effect of missense changes on protein structure and function (SIFT, PolyPhen-2, Align-GVGD) all suggest that this variant is likely to be tolerated. In summary, the available evidence is currently insufficient to determine the role of this variant in disease. Therefore, it has been classified as a Variant of Uncertain Significance. This variant has not been reported in the literature in individuals affected with DICER1-related conditions. This variant is not present in population databases (gnomAD no frequency). This sequence change replaces alanine, which is neutral and non-polar, with valine, which is neutral and non-polar, at codon 1622 of the DICER1 protein (p.Ala1622Val).

NM_177438.3(DICER1):c.4865C>T (p.Ala1622Val)

Gene: DICER1 (dicer 1, ribonuclease III; minus strand). Cytogenetic location: 14q32.13.
Variant type: single nucleotide variant.
Coding change: c.4865C>T on transcript NM_177438.3 (MANE Select); coding-DNA position 4865, C replaced by T.
Protein change: p.Ala1622Val; replaces alanine 1622 with valine.
Molecular consequence: missense variant. On other transcripts: non-coding transcript variant (6).
Genome position (GRCh38, 1-based): chr14:95,096,055, G>A on the plus strand (C>T on the coding strand, the complement: DICER1 is on the minus strand). VCF-style: chr14-95096055-G-A. GRCh37 (hg19) VCF-style: chr14-95562392-G-A.
Other names: c.4865C>T, p.Ala1622Val (NM_001195573.1, NM_001271282.3, NM_001291628.2 and 13 more transcripts); c.4583C>T, p.Ala1528Val (NM_001395686.1); c.4460C>T, p.Ala1487Val (NM_001395687.1, NM_001395688.1, NM_001395689.1 and 2 more transcripts); c.4298C>T, p.Ala1433Val (NM_001395691.1); c.3182C>T, p.Ala1061Val (NM_001395697.1); short protein forms A1061V, A1487V, A1622V, A1433V, A1528V.
Identifiers: ClinVar variation 1989265 (VCV001989265.4), dbSNP rs2139841699, ClinGen allele CA390866631.